The following is an entry in ClinVar:

ClinVar aggregate classification (germline): Conflicting classifications of pathogenicity. Review status: criteria provided, conflicting classifications (1 of 4 stars). 4 submissions from 4 submitters: Uncertain significance (3); Likely benign (1). Last evaluated 2026-07-01.

Conditions:
Progressive external ophthalmoplegia with mitochondrial DNA deletions, autosomal dominant 4. Also called: PROGRESSIVE EXTERNAL OPHTHALMOPLEGIA, AUTOSOMAL DOMINANT 4. Identifiers: MedGen C1864668, MONDO:0012415, OMIM 610131.

Allele frequency attached by ClinVar (database versions not stated): TOPMed 0.00001; ExAC 0.00002; gnomAD 0.00002.
gnomAD v4.1: 29 of 1,609,760 alleles (0.0018%); highest among the groups gnomAD compares: South Asian, 0.0077%; 1 homozygote.

Submissions (4):

CeGaT Center for Human Genetics Tuebingen
Classification: Likely benign. Last evaluated: 2026-07-01. Review status: criteria provided, single submitter. Criteria: CeGaT Center For Human Genetics Tuebingen Variant Classification Criteria Version 2. Collection method: clinical testing. Allele origin: germline. Affected: yes. Observed: 2 variant alleles.
Comment: POLG2: BP4

Labcorp Genetics (formerly Invitae), Labcorp
Classification: Uncertain significance. Last evaluated: 2025-12-29. Review status: criteria provided, single submitter. Criteria: Invitae Variant Classification Sherloc (09022015). Collection method: clinical testing. Allele origin: germline.
Comment: This sequence change replaces arginine, which is basic and polar, with histidine, which is basic and polar, at codon 257 of the POLG2 protein (p.Arg257His). This variant is present in population databases (rs782361101, gnomAD 0.002%). This variant has not been reported in the literature in individuals affected with POLG2-related conditions. ClinVar contains an entry for this variant (Variation ID: 1913139). An algorithm developed to predict the effect of missense changes on protein structure and function (PolyPhen-2) suggests that this variant is likely to be tolerated. In summary, the available evidence is currently insufficient to determine the role of this variant in disease. Therefore, it has been classified as a Variant of Uncertain Significance.

Ambry Genetics
Classification: Uncertain significance. Last evaluated: 2025-05-26. Review status: criteria provided, single submitter. Criteria: Ambry Variant Classification Scheme 2023. Collection method: clinical testing. Allele origin: germline.

Neuberg Centre For Genomic Medicine, NCGM
Classification: Uncertain significance for Progressive external ophthalmoplegia with mitochondrial DNA deletions, autosomal dominant 4. Review status: criteria provided, single submitter. Criteria: ACMG Guidelines, 2015. Collection method: clinical testing. Allele origin: germline. Inheritance: Autosomal dominant inheritance. Affected: yes.
Comment: The missense variant in c.770G>A(p.Arg257His) in POLG2 gene has not been reported previously as a pathogenic variant nor as a benign variant, to our knowledge. The p.Arg257His variant is novel (not in any individuals) in 1000 Genomes and has an allele frequency of 0.0007974% in gnomAD database. This variant has not been reported to the ClinVar database. The amino acid Arg at position 257 is changed to a His changing protein sequence and it might alter its composition and physico-chemical properties. For these reasons, this variant has been classified as Uncertain Significance (VUS).

NM_007215.4(POLG2):c.770G>A (p.Arg257His)

Genes: MILR1 (mast cell immunoglobulin like receptor 1; plus strand), POLG2 (DNA polymerase gamma 2, accessory subunit; minus strand). Cytogenetic location: 17q23.3.
Variant type: single nucleotide variant.
Coding change: c.770G>A on transcript NM_007215.4 (MANE Select); coding-DNA position 770, G replaced by A.
Protein change: p.Arg257His; replaces arginine 257 with histidine.
Molecular consequence: missense variant.
Genome position (GRCh38, 1-based): chr17:64,492,692, C>T on the plus strand (G>A on the coding strand, the complement: POLG2 is on the minus strand). VCF-style: chr17-64492692-C-T. GRCh37 (hg19) VCF-style: chr17-62488809-C-T.
Other names: c.770G>A (NM_007215.3); short protein forms R257H.
Identifiers: ClinVar variation 1913139 (VCV001913139.8), dbSNP rs782361101, ClinGen allele CA8712926.
Genomic context (GRCh38, chr17:64,492,692, plus strand): 5'-ATTAACTATTAAATTAAAGGTAATTATTGCAGTACCTTTCTCCACCACTGGAGTCGATGA[C>T]GTAACCAGAAATCAAGCCACTGGTTTGAAGTTCTCGGAGGAGTAAACCATACTAACGAAG-3'
Protein context (NP_009146.2, residues 247-267): TSNQWLDFWL[Arg257His]HRLQWWRKFA